The following is an entry in ClinVar:

NM_007294.4(BRCA1):c.2473_2475delinsTAA (p.Asp825Ter)

Gene: BRCA1 (BRCA1 DNA repair associated; minus strand). Cytogenetic location: 17q21.31.
Variant type: Indel.
Coding change: c.2473_2475delinsTAA on transcript NM_007294.4 (MANE Select); coding-DNA positions 2473 to 2475, GAC replaced by TAA.
Protein change: p.Asp825Ter; replaces aspartic acid 825 with a stop codon.
Molecular consequence: nonsense. On other transcripts: intron variant (137).
Genome position (GRCh38, 1-based): chr17:43,093,056-43,093,058, GTC replaced by TTA on the plus strand (GAC replaced by TAA on the coding strand, the reverse complement: BRCA1 is on the minus strand). VCF-style: chr17-43093056-GTC-TTA. GRCh37 (hg19) VCF-style: chr17-41245073-GTC-TTA.
Other names: c.2209_2211delinsTAA, p.Asp737Ter (NM_001407928.1, NM_001407929.1, NM_001407933.1 and 9 more transcripts); c.2206_2208delinsTAA, p.Asp736Ter (NM_001407930.1, NM_001407931.1, NM_001407932.1 and 2 more transcripts); c.2347_2349delinsTAA, p.Asp783Ter (NM_001407941.1, NM_001407940.1, NM_001407649.1 and 11 more transcripts); c.2350_2352delinsTAA, p.Asp784Ter (NM_001407937.1, NM_001407938.1, NM_001407939.1 and 19 more transcripts); c.2260_2262delinsTAA, p.Asp754Ter (NM_001407571.1, NM_001407853.1, NM_001407894.1 and 9 more transcripts); c.2473_2475delinsTAA, p.Asp825Ter (NM_001407581.1, NM_001407582.1, NM_001407583.1 and 30 more transcripts); c.2470_2472delinsTAA, p.Asp824Ter (NM_001407587.1, NM_001407590.1, NM_001407591.1 and 22 more transcripts); c.2464_2466delinsTAA, p.Asp822Ter (NM_001407646.1, NM_001407647.1); and 42 more; short protein forms D778*, D825*, D529*, D698*, D737*, D798*, D824*, D697*.
Identifiers: ClinVar variation 1171638 (VCV001171638.3), dbSNP rs2154375606, ClinGen allele CA2499224507.
Genomic context (GRCh38, chr17:43,093,056, plus strand): 5'-TATGCTTGTTTCCCGACTGTGGTTAACTTCATGTCCCAATGGATACTTAAAGCCTTCTGT[GTC>TTA]ATTTCTATTATCTTTGGAACAACCATGAATTAGTCCCTTGGGGTTTTCAAATGCTGCACA-3'

ClinVar aggregate classification (germline): Pathogenic (1 of 4 stars; one submission).

Conditions:
Hereditary cancer-predisposing syndrome. Also called: Tumor predisposition; Hereditary neoplastic syndrome; Hereditary Cancer Syndrome; Neoplastic Syndromes, Hereditary. Identifiers: Orphanet 140162, MedGen C0027672, MeSH D009386, MONDO:0015356.

Submission:

Color Diagnostics, LLC DBA Color Health
Classification: Pathogenic for Hereditary cancer-predisposing syndrome. Last evaluated: 2020-12-21. Review status: criteria provided, single submitter. Criteria: ACMG Guidelines, 2015. Collection method: clinical testing. Allele origin: germline.
Comment: This variant changes 3 nucleotides in exon 10 of the BRCA1 gene, creating a premature translation stop signal. This variant is expected to result in an absent or non-functional protein product. To our knowledge, this variant has not been reported in individuals affected with hereditary cancer in the literature. This variant has not been identified in the general population by the Genome Aggregation Database (gnomAD). Loss of BRCA1 function is a known mechanism of disease. Based on the available evidence, this variant is classified as Pathogenic.